The following is an entry in ClinVar:

NM_002778.4(PSAP):c.1204C>A (p.Gln402Lys)

Gene: PSAP (prosaposin; minus strand). Cytogenetic location: 10q22.1.
Variant type: single nucleotide variant.
Coding change: c.1204C>A on transcript NM_002778.4 (MANE Select); coding-DNA position 1204, C replaced by A.
Protein change: p.Gln402Lys; replaces glutamine 402 with lysine.
Molecular consequence: missense variant.
Genome position (GRCh38, 1-based): chr10:71,819,611, G>T on the plus strand (C>A on the coding strand, the complement: PSAP is on the minus strand). VCF-style: chr10-71819611-G-T. GRCh37 (hg19) VCF-style: chr10-73579368-G-T.
Other names: c.1213C>A, p.Gln405Lys (NM_001042465.3); c.1210C>A, p.Gln404Lys (NM_001042466.3); short protein forms Q405K, Q402K, Q404K.
Identifiers: ClinVar variation 1484852 (VCV001484852.8), dbSNP rs2133031097, ClinGen allele CA377143809.

ClinVar aggregate classification (germline): Uncertain significance (1 of 4 stars; one submission).

Conditions:
Sphingolipid activator protein 1 deficiency. Also called: Metachromatic leukodystrophy due to saposin B deficiency; METACHROMATIC LEUKODYSTROPHY DUE TO CEREBROSIDE SULFATASE ACTIVATOR DEFICIENCY; Saposin B Deficiency. Identifiers: Orphanet 512, MedGen C0268262, MONDO:0009590, OMIM 249900.

Submission:

Labcorp Genetics (formerly Invitae), Labcorp
Classification: Uncertain significance for Sphingolipid activator protein 1 deficiency. Last evaluated: 2022-08-16. Review status: criteria provided, single submitter. Criteria: Invitae Variant Classification Sherloc (09022015). Collection method: clinical testing. Allele origin: germline.
Comment: In summary, the available evidence is currently insufficient to determine the role of this variant in disease. Therefore, it has been classified as a Variant of Uncertain Significance. Algorithms developed to predict the effect of sequence changes on RNA splicing suggest that this variant may disrupt the consensus splice site. Algorithms developed to predict the effect of missense changes on protein structure and function output the following: SIFT: "Not Available"; PolyPhen-2: "Benign"; Align-GVGD: "Not Available". The lysine amino acid residue is found in multiple mammalian species, which suggests that this missense change does not adversely affect protein function. ClinVar contains an entry for this variant (Variation ID: 1484852). This variant has not been reported in the literature in individuals affected with PSAP-related conditions. This variant is not present in population databases (gnomAD no frequency). This sequence change replaces glutamine, which is neutral and polar, with lysine, which is basic and polar, at codon 402 of the PSAP protein (p.Gln402Lys).